The following is an entry in ClinVar:

ClinVar aggregate classification (germline): Uncertain significance (1 of 4 stars; one submission).

gnomAD v4.1: 23 of 1,562,146 alleles (0.0015%); highest among the groups gnomAD compares: Admixed American, 0.0038%; no homozygotes.

Submission:

Labcorp Genetics (formerly Invitae), Labcorp
Classification: Uncertain significance. Last evaluated: 2025-08-09. Review status: criteria provided, single submitter. Criteria: Invitae Variant Classification Sherloc (09022015). Collection method: clinical testing. Allele origin: germline.
Comment: This sequence change replaces tryptophan, which is neutral and slightly polar, with cysteine, which is neutral and slightly polar, at codon 17 of the TMED7 protein (p.Trp17Cys). This variant is present in population databases (rs775673404, gnomAD 0.006%). This variant has not been reported in the literature in individuals affected with TMED7-related conditions. ClinVar contains an entry for this variant (Variation ID: 1503017). An algorithm developed to predict the effect of missense changes on protein structure and function (PolyPhen-2) suggests that this variant is likely to be tolerated. In summary, the available evidence is currently insufficient to determine the role of this variant in disease. Therefore, it has been classified as a Variant of Uncertain Significance.

NM_181836.6(TMED7):c.51G>T (p.Trp17Cys)

Genes: TMED7 (transmembrane p24 trafficking protein 7; minus strand), TMED7-TICAM2 (TMED7-TICAM2 readthrough; minus strand), LOC129994401 (ATAC-STARR-seq lymphoblastoid silent region 16254; plus strand). Cytogenetic location: 5q22.3.
Variant type: single nucleotide variant.
Coding change: c.51G>T on transcript NM_181836.6 (MANE Select); coding-DNA position 51, G replaced by T.
Protein change: p.Trp17Cys; replaces tryptophan 17 with cysteine.
Molecular consequence: missense variant.
Genome position (GRCh38, 1-based): chr5:115,625,742, C>A on the plus strand (G>T on the coding strand, the complement: TMED7 is on the minus strand). VCF-style: chr5-115625742-C-A. GRCh37 (hg19) VCF-style: chr5-114961439-C-A.
Other names: c.51G>T, p.Trp17Cys (NM_001164468.4, NM_001164469.4); short protein forms W17C.
Identifiers: ClinVar variation 1503017 (VCV001503017.6), dbSNP rs775673404, ClinGen allele CA3375252.